The following is an entry in ClinVar:

NM_006904.7(PRKDC):c.11947A>G (p.Ile3983Val)

Gene: PRKDC (protein kinase, DNA-activated, catalytic subunit; minus strand). Cytogenetic location: 8q11.21.
Variant type: single nucleotide variant.
Coding change: c.11947A>G on transcript NM_006904.7 (MANE Select); coding-DNA position 11947, A replaced by G.
Protein change: p.Ile3983Val; replaces isoleucine 3983 with valine.
Molecular consequence: missense variant.
Genome position (GRCh38, 1-based): chr8:47,777,781, T>C on the plus strand (A>G on the coding strand, the complement: PRKDC is on the minus strand). VCF-style: chr8-47777781-T-C. GRCh37 (hg19) VCF-style: chr8-48690342-T-C.
Other names: c.11854A>G, p.Ile3952Val (NM_001081640.2); short protein forms I3952V, I3983V.
Identifiers: ClinVar variation 1437705 (VCV001437705.5), dbSNP rs1430846940, ClinGen allele CA371128205.

ClinVar aggregate classification (germline): Uncertain significance (1 of 4 stars; one submission).

Conditions:
Severe combined immunodeficiency due to DNA-PKcs deficiency. Also called: IMMUNODEFICIENCY 26 WITH NEUROLOGIC ABNORMALITIES; Immunodeficiency 26 with or without neurologic abnormalities. Identifiers: Orphanet 317425, MedGen C4014833, MONDO:0014423, OMIM 615966.

Allele frequency attached by ClinVar (database versions not stated): gnomAD exomes below 0.00001 and 0.00001; TOPMed below 0.00001; gnomAD 0.00001.
gnomAD v4.1: 4 of 1,613,934 alleles (0.00025%); highest among the groups gnomAD compares: Admixed American, 0.0017%; no homozygotes.

Submission:

Labcorp Genetics (formerly Invitae), Labcorp
Classification: Uncertain significance for Severe combined immunodeficiency due to DNA-PKcs deficiency. Last evaluated: 2021-11-06. Review status: criteria provided, single submitter. Criteria: Invitae Variant Classification Sherloc (09022015). Collection method: clinical testing. Allele origin: germline.
Comment: This variant has not been reported in the literature in individuals affected with PRKDC-related conditions. In summary, the available evidence is currently insufficient to determine the role of this variant in disease. Therefore, it has been classified as a Variant of Uncertain Significance. Experimental studies and prediction algorithms are not available or were not evaluated, and the functional significance of this variant is currently unknown. This variant is present in population databases (no rsID available, gnomAD 0.004%). This sequence change replaces isoleucine, which is neutral and non-polar, with valine, which is neutral and non-polar, at codon 3983 of the PRKDC protein (p.Ile3983Val).